The following is an entry in ClinVar:

ClinVar aggregate classification (germline): Uncertain significance. Review status: criteria provided, multiple submitters, no conflicts (2 of 4 stars). 2 submissions from 2 submitters: Uncertain significance (2). Last evaluated 2022-05-31.

Conditions:
Hyperphosphatasia with impaired intellectual development syndrome 2. Also called: Hyperphosphatasia with intellectual disability syndrome 2; GLYCOSYLPHOSPHATIDYLINOSITOL BIOSYNTHESIS DEFECT 6. Identifiers: Orphanet 247262, MedGen C3553637, MONDO:0013882, OMIM 614749.

Allele frequency attached by ClinVar (database versions not stated): gnomAD 0.00003 and 0.00004; TOPMed 0.00004; gnomAD exomes 0.00002 and 0.00005; ExAC 0.00003; ESP Exome Variant Server 0.00008.

Submissions (2):

Labcorp Genetics (formerly Invitae), Labcorp
Classification: Uncertain significance for Hyperphosphatasia with impaired intellectual development syndrome 2. Last evaluated: 2022-05-31. Review status: criteria provided, single submitter. Criteria: Invitae Variant Classification Sherloc (09022015). Collection method: clinical testing. Allele origin: germline.
Comment: This sequence change replaces alanine, which is neutral and non-polar, with glycine, which is neutral and non-polar, at codon 936 of the PIGO protein (p.Ala936Gly). This variant is present in population databases (rs375724131, gnomAD 0.09%). This variant has not been reported in the literature in individuals affected with PIGO-related conditions. ClinVar contains an entry for this variant (Variation ID: 366755). Algorithms developed to predict the effect of missense changes on protein structure and function are either unavailable or do not agree on the potential impact of this missense change (SIFT: "Tolerated"; PolyPhen-2: "Possibly Damaging"; Align-GVGD: "Class C0"). Algorithms developed to predict the effect of sequence changes on RNA splicing suggest that this variant may create or strengthen a splice site. In summary, the available evidence is currently insufficient to determine the role of this variant in disease. Therefore, it has been classified as a Variant of Uncertain Significance.

Illumina Laboratory Services, Illumina
Classification: Uncertain significance for Hyperphosphatasia with impaired intellectual development syndrome 2. Last evaluated: 2018-01-12. Review status: criteria provided, single submitter. Criteria: ICSL Variant Classification Criteria 13 December 2019. Collection method: clinical testing. Allele origin: germline.

NM_032634.4(PIGO):c.2807C>G (p.Ala936Gly)

Gene: PIGO (phosphatidylinositol glycan anchor biosynthesis class O; minus strand). Cytogenetic location: 9p13.3.
Variant type: single nucleotide variant.
Coding change: c.2807C>G on transcript NM_032634.4 (MANE Select); coding-DNA position 2807, C replaced by G.
Protein change: p.Ala936Gly; replaces alanine 936 with glycine.
Molecular consequence: missense variant.
Genome position (GRCh38, 1-based): chr9:35,090,513, G>C on the plus strand (C>G on the coding strand, the complement: PIGO is on the minus strand). VCF-style: chr9-35090513-G-C. GRCh37 (hg19) VCF-style: chr9-35090510-G-C.
Other names: c.1556C>G, p.Ala519Gly (NM_001201484.2, NM_152850.4); short protein forms A936G, A519G.
Identifiers: ClinVar variation 366755 (VCV000366755.11), dbSNP rs375724131, ClinGen allele CA5040332.